The following is an entry in ClinVar:

NM_203446.3(SYNJ1):c.1867A>G (p.Asn623Asp)

Gene: SYNJ1 (synaptojanin 1; minus strand). Cytogenetic location: 21q22.11.
Variant type: single nucleotide variant.
Coding change: c.1867A>G on transcript NM_203446.3 (MANE Select); coding-DNA position 1867, A replaced by G.
Protein change: p.Asn623Asp; replaces asparagine 623 with aspartic acid.
Molecular consequence: missense variant.
Genome position (GRCh38, 1-based): chr21:32,666,518, T>C on the plus strand (A>G on the coding strand, the complement: SYNJ1 is on the minus strand). VCF-style: chr21-32666518-T-C. GRCh37 (hg19) VCF-style: chr21-34038828-T-C.
Other names: c.1867A>G, p.Asn623Asp (NM_001160302.2); c.1852A>G, p.Asn618Asp (NM_001160306.2); c.1984A>G, p.Asn662Asp (NM_003895.4); short protein forms N618D, N623D, N662D.
Identifiers: ClinVar variation 940831 (VCV000940831.8), dbSNP rs377719553, ClinGen allele CA10003785.
Genomic context (GRCh38, chr21:32,666,518, plus strand): 5'-TGATAAAAACAAACAAACAGACGCCCACCAACTGTTCAGAAGCCAGCAGCACATACTTGT[T>C]GTCTCTGGAGATTGTCTTCTGAAGTTCTACAGCCCAGAGCTTCTGATTTGTTGTGCTACA-3'
Protein context (NP_982271.3, residues 613-633): VELQKTISRD[Asn623Asp]KYVLLASEQL

ClinVar aggregate classification (germline): Uncertain significance (1 of 4 stars; one submission).

Conditions:
Early-onset Parkinson disease 20. Also called: PARKINSON DISEASE 20, AUTOSOMAL RECESSIVE EARLY-ONSET. Identifiers: Orphanet 391411, MedGen C3809824, MONDO:0014233, OMIM 615530.
Developmental and epileptic encephalopathy, 53. Also called: Epileptic encephalopathy, early infantile, 53. Identifiers: MedGen C4479313, MONDO:0033362, OMIM 617389.

Allele frequency attached by ClinVar (database versions not stated): gnomAD exomes 0.00001 and 0.00002; ExAC 0.00002; gnomAD 0.00002; TOPMed 0.00002; ESP Exome Variant Server 0.00008.
gnomAD v4.1: 33 of 1,614,058 alleles (0.002%); highest among the groups gnomAD compares: Non-Finnish European, 0.0028%; no homozygotes.

Submission:

Labcorp Genetics (formerly Invitae), Labcorp
Classification: Uncertain significance for Developmental and epileptic encephalopathy, 53; Early-onset Parkinson disease 20. Last evaluated: 2022-12-07. Review status: criteria provided, single submitter. Criteria: Invitae Variant Classification Sherloc (09022015). Collection method: clinical testing. Allele origin: germline.
Comment: In summary, the available evidence is currently insufficient to determine the role of this variant in disease. Therefore, it has been classified as a Variant of Uncertain Significance. Advanced modeling of protein sequence and biophysical properties (such as structural, functional, and spatial information, amino acid conservation, physicochemical variation, residue mobility, and thermodynamic stability) performed at Invitae indicates that this missense variant is not expected to disrupt SYNJ1 protein function. ClinVar contains an entry for this variant (Variation ID: 940831). This missense change has been observed in individual(s) with a developmental disorder (PMID: 28135719). This variant is present in population databases (rs377719553, gnomAD 0.002%). This sequence change replaces asparagine, which is neutral and polar, with aspartic acid, which is acidic and polar, at codon 662 of the SYNJ1 protein (p.Asn662Asp).

Literature cited by the submitters: PubMed 28135719.